The following is an entry in ClinVar:

NM_052876.4(NACC1):c.1537G>T (p.Ala513Ser)

Gene: NACC1 (nucleus accumbens associated 1; plus strand). Cytogenetic location: 19p13.13.
Variant type: single nucleotide variant.
Coding change: c.1537G>T on transcript NM_052876.4 (MANE Select); coding-DNA position 1537, G replaced by T.
Protein change: p.Ala513Ser; replaces alanine 513 with serine.
Molecular consequence: missense variant.
Genome position (GRCh38, 1-based): chr19:13,138,359, G>T. VCF-style: chr19-13138359-G-T. GRCh37 (hg19) VCF-style: chr19-13249173-G-T.
Other names: short protein forms A513S.
Identifiers: ClinVar variation 4798788 (VCV004798788.1).

ClinVar aggregate classification (germline): Uncertain significance (1 of 4 stars; one submission).

gnomAD v4.1: 1 of 1,613,268 alleles (0.000062%); highest among the groups gnomAD compares: Non-Finnish European, 0.000085%; no homozygotes.

Submission:

Labcorp Genetics (formerly Invitae), Labcorp
Classification: Uncertain significance. Last evaluated: 2025-07-02. Review status: criteria provided, single submitter. Criteria: Invitae Variant Classification Sherloc (09022015). Collection method: clinical testing. Allele origin: germline.
Comment: This sequence change replaces alanine, which is neutral and non-polar, with serine, which is neutral and polar, at codon 513 of the NACC1 protein (p.Ala513Ser). This variant is present in population databases (no rsID available, gnomAD 0.0009%). This variant has not been reported in the literature in individuals affected with NACC1-related conditions. Invitae Evidence Modeling of protein sequence and biophysical properties (such as structural, functional, and spatial information, amino acid conservation, physicochemical variation, residue mobility, and thermodynamic stability) indicates that this missense variant is not expected to disrupt NACC1 protein function with a negative predictive value of 80%. In summary, the available evidence is currently insufficient to determine the role of this variant in disease. Therefore, it has been classified as a Variant of Uncertain Significance.